The following is an entry in ClinVar:

ClinVar aggregate classification (germline): Uncertain significance (1 of 4 stars; one submission).

Conditions:
Combined immunodeficiency due to LRBA deficiency. Also called: Common variable immunodeficiency 8, with autoimmunity. Identifiers: Orphanet 445018, MedGen C3553512, MONDO:0013863, OMIM 614700.

Submission:

Labcorp Genetics (formerly Invitae), Labcorp
Classification: Uncertain significance for Combined immunodeficiency due to LRBA deficiency. Last evaluated: 2022-05-06. Review status: criteria provided, single submitter. Criteria: Invitae Variant Classification Sherloc (09022015). Collection method: clinical testing. Allele origin: germline.
Comment: In summary, the available evidence is currently insufficient to determine the role of this variant in disease. Therefore, it has been classified as a Variant of Uncertain Significance. Algorithms developed to predict the effect of missense changes on protein structure and function (SIFT, PolyPhen-2, Align-GVGD) all suggest that this variant is likely to be tolerated. This variant has not been reported in the literature in individuals affected with LRBA-related conditions. This variant is not present in population databases (gnomAD no frequency). This sequence change replaces leucine, which is neutral and non-polar, with valine, which is neutral and non-polar, at codon 72 of the LRBA protein (p.Leu72Val).

NM_001364905.1(LRBA):c.214C>G (p.Leu72Val)

Gene: LRBA (LPS responsive beige-like anchor protein; minus strand). Cytogenetic location: 4q31.3.
Variant type: single nucleotide variant.
Coding change: c.214C>G on transcript NM_001364905.1 (MANE Select); coding-DNA position 214, C replaced by G.
Protein change: p.Leu72Val; replaces leucine 72 with valine.
Molecular consequence: missense variant.
Genome position (GRCh38, 1-based): chr4:151,014,429, G>C on the plus strand (C>G on the coding strand, the complement: LRBA is on the minus strand). VCF-style: chr4-151014429-G-C. GRCh37 (hg19) VCF-style: chr4-151935581-G-C.
Other names: c.214C>G, p.Leu72Val (NM_001199282.3, NM_001367550.1, NM_006726.5); short protein forms L72V.
Identifiers: ClinVar variation 2134862 (VCV002134862.4), dbSNP rs572995926, ClinGen allele CA358610723.